The following is an entry in ClinVar:

ClinVar aggregate classification (germline): Uncertain significance (1 of 4 stars; one submission).

Conditions:
Inborn genetic diseases. Identifiers: MedGen C0950123, MeSH D030342.

Submission:

Ambry Genetics
Classification: Uncertain significance for Inborn genetic diseases. Last evaluated: 2026-01-14. Review status: criteria provided, single submitter. Criteria: Ambry Variant Classification Scheme 2023. Collection method: clinical testing. Allele origin: germline.
Comment: The c.2246T>C (p.M749T) alteration is located in exon 13 (coding exon 11) of the CLCN4 gene. This alteration results from a T to C substitution at nucleotide position 2246, causing the methionine (M) at amino acid position 749 to be replaced by a threonine (T). This variant was not reported in population-based cohorts in the Genome Aggregation Database (gnomAD). This amino acid position is highly conserved in available vertebrate species. This missense alteration is located in a region that has a low rate of benign missense variation (Lek, 2016; Firth, 2009). This alteration is predicted to be deleterious by in silico analysis. Based on insufficient or conflicting evidence, the clinical significance of this alteration remains unclear.

NM_001830.4(CLCN4):c.2246T>C (p.Met749Thr)

Gene: CLCN4 (Cl-/H+ antiporter 4; plus strand). Cytogenetic location: Xp22.2.
Variant type: single nucleotide variant.
Coding change: c.2246T>C on transcript NM_001830.4 (MANE Select); coding-DNA position 2246, T replaced by C.
Protein change: p.Met749Thr; replaces methionine 749 with threonine.
Molecular consequence: missense variant.
Genome position (GRCh38, 1-based): chrX:10,233,547, T>C. VCF-style: chrX-10233547-T-C. GRCh37 (hg19) VCF-style: chrX-10201587-T-C.
Other names: c.1964T>C, p.Met655Thr (NM_001256944.2); short protein forms M655T, M749T.
Identifiers: ClinVar variation 4838700 (VCV004838700.1).
Genomic context (GRCh38, chrX:10,233,547, plus strand): 5'-TCTCCAGGAGACTTCTTGGCATCATCACAAAAAAGGATGTTCTGAGACATATGGCCCAGA[T>C]GGCAAACCAGGACCCCGAATCCATCATGTTTAATTAGCAACAAGGTGGCAATTATTTTCA-3'
Protein context (NP_001821.2, residues 739-759): KKDVLRHMAQ[Met749Thr]ANQDPESIMF